The following is an entry in ClinVar:

NM_017780.4(CHD7):c.4747T>C (p.Ser1583Pro)

Gene: CHD7 (chromodomain helicase DNA binding protein 7; plus strand). Cytogenetic location: 8q12.2.
Variant type: single nucleotide variant.
Coding change: c.4747T>C on transcript NM_017780.4 (MANE Select); coding-DNA position 4747, T replaced by C.
Protein change: p.Ser1583Pro; replaces serine 1583 with proline.
Molecular consequence: missense variant. On other transcripts: intron variant (1).
Genome position (GRCh38, 1-based): chr8:60,841,949, T>C. VCF-style: chr8-60841949-T-C. GRCh37 (hg19) VCF-style: chr8-61754508-T-C.
Other names: c.1717-20280T>C (NM_001316690.1); short protein forms S1583P.
Identifiers: ClinVar variation 4987433 (VCV004987433.1).

ClinVar aggregate classification (germline): Uncertain significance (1 of 4 stars; one submission).

Conditions:
CHD7-related disorder. Also called: CHD7-related condition.

gnomAD v4.1: 1 of 1,613,184 alleles (0.000062%); highest among the groups gnomAD compares: Non-Finnish European, 0.000085%; no homozygotes.

Submission:

PreventionGenetics, part of Exact Sciences
Classification: Uncertain significance for CHD7-related condition. Last evaluated: 2025-04-17. Review status: criteria provided, single submitter. Criteria: ACMG Guidelines, 2015. Collection method: clinical testing. Allele origin: germline.
Comment: The CHD7 c.4747T>C variant is predicted to result in the amino acid substitution p.Ser1583Pro. To our knowledge, this variant has not been reported in the literature. This variant is absent in a large population database (gnomAD), indicating this variant is rare. At this time, the clinical significance of this variant is uncertain due to the absence of conclusive functional and genetic evidence.